The following is an entry in ClinVar:

NM_000465.4(BARD1):c.1161C>A (p.Phe387Leu)

Gene: BARD1 (BRCA1 associated RING domain 1; minus strand). Cytogenetic location: 2q35.
Variant type: single nucleotide variant.
Coding change: c.1161C>A on transcript NM_000465.4 (MANE Select); coding-DNA position 1161, C replaced by A.
Protein change: p.Phe387Leu; replaces phenylalanine 387 with leucine.
Molecular consequence: missense variant. On other transcripts: non-coding transcript variant (2), intron variant (3).
Genome position (GRCh38, 1-based): chr2:214,780,713, G>T on the plus strand (C>A on the coding strand, the complement: BARD1 is on the minus strand). VCF-style: chr2-214780713-G-T. GRCh37 (hg19) VCF-style: chr2-215645437-G-T.
Other names: c.1161C>A (NM_000465.2); c.1104C>A, p.Phe368Leu (NM_001282543.2); c.159-28158C>A (NM_001282548.2); c.215+16348C>A (NM_001282545.2); c.364+11584C>A (NM_001282549.2); short protein forms F387L, F368L.
Identifiers: ClinVar variation 460692 (VCV000460692.18), dbSNP rs553790960, ClinGen allele CA2090332.
Genomic context (GRCh38, chr2:214,780,713, plus strand): 5'-CACTCGCCTGTAACTTGAACTACTTAATGTAGAAGGTGGTGTACCTGGTGAAAGACTAAT[G>T]AATTCATCGGACATGTTACTGTTTTTCCTCCCTGATGTACCACCAACTTTACGTTTGCAT-3'
Protein context (NP_000456.2, residues 377-397): GRKNSNMSDE[Phe387Leu]ISLSPGTPPS

ClinVar aggregate classification (germline): Conflicting classifications of pathogenicity. Review status: criteria provided, conflicting classifications (1 of 4 stars). 5 submissions from 5 submitters: Uncertain significance (3); Likely benign (2). Last evaluated 2025-06-12.

Conditions:
Hereditary cancer-predisposing syndrome. Also called: Neoplastic Syndromes, Hereditary; Tumor predisposition; Hereditary Cancer Syndrome; Hereditary neoplastic syndrome. Identifiers: Orphanet 140162, MedGen C0027672, MeSH D009386, MONDO:0015356.
Familial cancer of breast. Also called: BREAST CANCER, FAMILIAL; hereditary breast carcinoma; Hereditary breast cancer. Identifiers: Orphanet 227535, MedGen C0346153, MONDO:0016419, OMIM 114480. Disease mechanism: loss of function.

Allele frequency attached by ClinVar (database versions not stated): gnomAD exomes below 0.00001; TOPMed below 0.00001; ExAC 0.00001; gnomAD 0.00001; 1000 Genomes Project 30x 0.00016; 1000 Genomes Project 0.00020.
gnomAD v4.1: 3 of 1,614,056 alleles (0.00019%); highest among the groups gnomAD compares: Admixed American, 0.005%; no homozygotes.

Submissions (5):

Ambry Genetics
Classification: Likely benign for Hereditary cancer-predisposing syndrome. Last evaluated: 2025-06-12. Review status: criteria provided, single submitter. Criteria: Ambry Variant Classification Scheme 2023. Collection method: clinical testing. Allele origin: germline.

Labcorp Genetics (formerly Invitae), Labcorp
Classification: Uncertain significance for Familial cancer of breast. Last evaluated: 2024-11-05. Review status: criteria provided, single submitter. Criteria: Invitae Variant Classification Sherloc (09022015). Collection method: clinical testing. Allele origin: germline.
Comment: This sequence change replaces phenylalanine, which is neutral and non-polar, with leucine, which is neutral and non-polar, at codon 387 of the BARD1 protein (p.Phe387Leu). The frequency data for this variant in the population databases is considered unreliable, as metrics indicate poor data quality at this position in the gnomAD database. This variant has not been reported in the literature in individuals affected with BARD1-related conditions. ClinVar contains an entry for this variant (Variation ID: 460692). An algorithm developed to predict the effect of missense changes on protein structure and function (PolyPhen-2) suggests that this variant is likely to be tolerated. In summary, the available evidence is currently insufficient to determine the role of this variant in disease. Therefore, it has been classified as a Variant of Uncertain Significance.

Myriad Genetics, Inc.
Classification: Likely benign for Familial cancer of breast. Last evaluated: 2024-07-24. Review status: criteria provided, single submitter. Criteria: Myriad Autosomal Dominant, Autosomal Recessive and X-Linked Classification Criteria (2023). Collection method: clinical testing. Allele origin: unknown.
Comment: This variant is considered likely benign. This variant is strongly associated with less severe personal and family histories of cancer, typical for individuals without pathogenic variants in this gene [PMID: 25085752].

Color Diagnostics, LLC DBA Color Health
Classification: Uncertain significance for Hereditary cancer-predisposing syndrome. Last evaluated: 2024-03-06. Review status: criteria provided, single submitter. Criteria: ACMG Guidelines, 2015. Collection method: clinical testing. Allele origin: germline.
Comment: This missense variant replaces phenylalanine with leucine at codon 387 of the BARD1 protein. Computational prediction suggests that this variant may not impact protein structure and function (internally defined REVEL score threshold <= 0.5, PMID: 27666373). To our knowledge, functional studies have not been reported for this variant. This variant has not been reported in individuals affected with hereditary cancer in the literature. This variant has been identified in 1/251200 chromosomes in the general population by the Genome Aggregation Database (gnomAD). The available evidence is insufficient to determine the role of this variant in disease conclusively. Therefore, this variant is classified as a Variant of Uncertain Significance.

Revvity Omics, Revvity
Classification: Uncertain significance. Last evaluated: 2021-09-10. Review status: criteria provided, single submitter. Criteria: ACMG Guidelines, 2015. Collection method: clinical testing. Allele origin: germline.

Literature cited by the submitters: PubMed 25085752 (cited by Myriad Genetics, Inc.).